The following is an entry in ClinVar:

ClinVar aggregate classification (germline): Likely benign (1 of 4 stars; one submission).

Submission:

CeGaT Center for Human Genetics Tuebingen
Classification: Likely benign. Last evaluated: 2024-06-01. Review status: criteria provided, single submitter. Criteria: CeGaT Center For Human Genetics Tuebingen Variant Classification Criteria Version 2. Collection method: clinical testing. Allele origin: germline. Affected: yes. Observed: 2 variant alleles.
Comment: SNRNP200: PM2:Supporting, BP4, BP7

NM_014014.5(SNRNP200):c.3594G>C (p.Leu1198=)

Gene: SNRNP200 (small nuclear ribonucleoprotein U5 subunit 200; minus strand). Cytogenetic location: 2q11.2.
Variant type: single nucleotide variant.
Coding change: c.3594G>C on transcript NM_014014.5 (MANE Select); coding-DNA position 3594, G replaced by C.
Protein change: p.Leu1198=; no amino-acid change (leucine 1198 retained).
Molecular consequence: synonymous variant.
Genome position (GRCh38, 1-based): chr2:96,287,051, C>G on the plus strand (G>C on the coding strand, the complement: SNRNP200 is on the minus strand). VCF-style: chr2-96287051-C-G. GRCh37 (hg19) VCF-style: chr2-96952789-C-G.
Identifiers: ClinVar variation 2651143 (VCV002651143.24), dbSNP rs2467328841, ClinGen allele CA427808561.
Genomic context (GRCh38, chr2:96,287,051, plus strand): 5'-CCAGCAAAGCCTCACCTTTTCATCCCACTGGAAGTCTGGCGTGATGGTCAGCTCCACCTT[C>G]AGGGTGGAGCGTGTGATAGGCTGCAGGTGCACTGACAACTCCAACTTGGGAAACAGATGG-3'
Protein context (NP_054733.2, residues 1188-1208): VHLQPITRST[Leu1198=]KVELTITPDF